The following is an entry in ClinVar:

ClinVar aggregate classification (germline): Uncertain significance (1 of 4 stars; one submission).

Submission:

Labcorp Genetics (formerly Invitae), Labcorp
Classification: Uncertain significance. Last evaluated: 2022-12-24. Review status: criteria provided, single submitter. Criteria: Invitae Variant Classification Sherloc (09022015). Collection method: clinical testing. Allele origin: germline.
Comment: In summary, the available evidence is currently insufficient to determine the role of this variant in disease. Therefore, it has been classified as a Variant of Uncertain Significance. Advanced modeling of protein sequence and biophysical properties (such as structural, functional, and spatial information, amino acid conservation, physicochemical variation, residue mobility, and thermodynamic stability) performed at Invitae indicates that this missense variant is not expected to disrupt FLNB protein function. This variant has not been reported in the literature in individuals affected with FLNB-related conditions. This variant is not present in population databases (gnomAD no frequency). This sequence change replaces glycine, which is neutral and non-polar, with serine, which is neutral and polar, at codon 2163 of the FLNB protein (p.Gly2163Ser).

NM_001457.4(FLNB):c.6487G>A (p.Gly2163Ser)

Gene: FLNB (filamin B; plus strand). Cytogenetic location: 3p14.3.
Variant type: single nucleotide variant.
Coding change: c.6487G>A on transcript NM_001457.4 (MANE Select); coding-DNA position 6487, G replaced by A.
Protein change: p.Gly2163Ser; replaces glycine 2163 with serine.
Molecular consequence: missense variant.
Genome position (GRCh38, 1-based): chr3:58,153,494, G>A. VCF-style: chr3-58153494-G-A. GRCh37 (hg19) VCF-style: chr3-58139221-G-A.
Other names: c.6580G>A, p.Gly2194Ser (NM_001164317.2); c.6454G>A, p.Gly2152Ser (NM_001164318.2); c.6415G>A, p.Gly2139Ser (NM_001164319.2); short protein forms G2163S, G2152S, G2194S, G2139S.
Identifiers: ClinVar variation 2823865 (VCV002823865.3), dbSNP rs2471223464, ClinGen allele CA353359430.